The following is an entry in ClinVar:

ClinVar aggregate classification (germline): Uncertain significance (1 of 4 stars; one submission).

gnomAD v4.1: 8 of 1,613,384 alleles (0.0005%); highest among the groups gnomAD compares: East Asian, 0.0022%; no homozygotes.

Submission:

Labcorp Genetics (formerly Invitae), Labcorp
Classification: Uncertain significance. Last evaluated: 2025-06-24. Review status: criteria provided, single submitter. Criteria: Invitae Variant Classification Sherloc (09022015). Collection method: clinical testing. Allele origin: germline.
Comment: This sequence change replaces arginine, which is basic and polar, with glutamine, which is neutral and polar, at codon 36 of the ANKH protein (p.Arg36Gln). This variant is present in population databases (no rsID available, gnomAD 0.006%). This variant has not been reported in the literature in individuals affected with ANKH-related conditions. Invitae Evidence Modeling of protein sequence and biophysical properties (such as structural, functional, and spatial information, amino acid conservation, physicochemical variation, residue mobility, and thermodynamic stability) indicates that this missense variant is expected to disrupt ANKH protein function with a positive predictive value of 80%. In summary, the available evidence is currently insufficient to determine the role of this variant in disease. Therefore, it has been classified as a Variant of Uncertain Significance.

NM_054027.6(ANKH):c.107G>A (p.Arg36Gln)

Gene: ANKH (ANKH inorganic pyrophosphate transport regulator; minus strand). Cytogenetic location: 5p15.2.
Variant type: single nucleotide variant.
Coding change: c.107G>A on transcript NM_054027.6 (MANE Select); coding-DNA position 107, G replaced by A.
Protein change: p.Arg36Gln; replaces arginine 36 with glutamine.
Molecular consequence: missense variant.
Genome position (GRCh38, 1-based): chr5:14,769,181, C>T on the plus strand (G>A on the coding strand, the complement: ANKH is on the minus strand). VCF-style: chr5-14769181-C-T. GRCh37 (hg19) VCF-style: chr5-14769290-C-T.
Other names: short protein forms R36Q.
Identifiers: ClinVar variation 4749129 (VCV004749129.1).
Genomic context (GRCh38, chr5:14,769,181, plus strand): 5'-TACGCCAGCCCGTAGCTGGCCAGCATCTCGACTGCATCCTCCTTGACAGCAGCAATGCCC[C>T]GGTTCAAGGCCTGGGAAGGGGGAAAAAAACCCACAAGCATTAGAAATGTCATCTCTTCTC-3'
Protein context (NP_473368.1, residues 26-46): AIDFGEQALN[Arg36Gln]GIAAVKEDAV